The following is an entry in ClinVar:

NM_003072.5(SMARCA4):c.295_318dup (p.Arg99_Met106dup)

Gene: SMARCA4 (SWI/SNF related BAF chromatin remodeling complex subunit ATPase 4; plus strand). Cytogenetic location: 19p13.2.
Variant type: Duplication.
Coding change: c.295_318dup on transcript NM_003072.5 (MANE Select); coding-DNA positions 295 to 318, 24 bases duplicated (CGGTCAGGGGGCCATGCTGGGATG).
Protein change: p.Arg99_Met106dup.
Molecular consequence: inframe insertion. On other transcripts: non-coding transcript variant (1).
Genome position (GRCh38, 1-based): chr19:10,985,345-10,985,368, CGGTCAGGGGGCCATGCTGGGATG duplicated; duplicating any 24 consecutive bases within chr19:10,985,339-10,985,368 gives the same sequence; the c. name uses the placement nearest the transcript's 3' end. VCF-style (leftmost placement, unchanged base first): chr19-10985338-G-GGGGATGCGGTCAGGGGGCCATGCT. GRCh37 (hg19) VCF-style: chr19-11096014-G-GGGGATGCGGTCAGGGGGCCATGCT.
Other names: c.295_318dupCGGTCAGGGGGCCATGCTGGGATG (NM_001128849.1); c.295_318dup, p.Arg99_Met106dup (NM_001128844.3, NM_001128845.2, NM_001128846.2 and 5 more transcripts).
Identifiers: ClinVar variation 657890 (VCV000657890.9), dbSNP rs1599941221, ClinGen allele CA915952557.
Genomic context (GRCh38, chr19:10,985,338, plus strand): 5'-GGAGTCCATGCATGAGAAGGGCATGTCGGACGACCCGCGCTACAACCAGATGAAAGGAAT[G>GGGGATGCGGTCAGGGGGCCATGCT]GGGATGCGGTCAGGGGGCCATGCTGGGATGGGGCCCCCGCCCAGCCCCATGGACCAGCAC-3'

ClinVar aggregate classification (germline): Uncertain significance. Review status: criteria provided, multiple submitters, no conflicts (2 of 4 stars). 2 submissions from 2 submitters: Uncertain significance (2). Last evaluated 2021-11-01.

Conditions:
Rhabdoid tumor predisposition syndrome 2 (RTPS2). Identifiers: Orphanet 231108, Orphanet 69077, MedGen C2750074, MONDO:0013224, OMIM 613325.
Hereditary cancer-predisposing syndrome. Also called: Hereditary neoplastic syndrome; Neoplastic Syndromes, Hereditary; Hereditary Cancer Syndrome; Tumor predisposition. Identifiers: Orphanet 140162, MedGen C0027672, MeSH D009386, MONDO:0015356.

Submissions (2):

Labcorp Genetics (formerly Invitae), Labcorp
Classification: Uncertain significance for Rhabdoid tumor predisposition syndrome 2. Last evaluated: 2021-11-01. Review status: criteria provided, single submitter. Criteria: Invitae Variant Classification Sherloc (09022015). Collection method: clinical testing. Allele origin: germline.
Comment: In summary, the available evidence is currently insufficient to determine the role of this variant in disease. Therefore, it has been classified as a Variant of Uncertain Significance. Algorithms developed to predict the effect of sequence changes on RNA splicing suggest that this variant may create or strengthen a splice site. Experimental studies and prediction algorithms are not available or were not evaluated, and the functional significance of this variant is currently unknown. ClinVar contains an entry for this variant (Variation ID: 657890). This variant has not been reported in the literature in individuals affected with SMARCA4-related conditions. This variant is not present in population databases (gnomAD no frequency). This variant, c.295_318dup, results in the insertion of 8 amino acid(s) of the SMARCA4 protein (p.Arg99_Met106dup), but otherwise preserves the integrity of the reading frame.

Ambry Genetics
Classification: Uncertain significance for Hereditary cancer-predisposing syndrome. Last evaluated: 2021-09-24. Review status: criteria provided, single submitter. Criteria: Ambry Variant Classification Scheme 2023. Collection method: clinical testing. Allele origin: germline.
Comment: The c.295_318dup24 variant (also known as p.R99_M106dup), located in coding exon 2 of the SMARCA4 gene, results from an in-frame duplication of 24 nucleotides at nucleotide positions 295 to 318. This results in the duplication of 8 extra residues (RSGGHAGM) between codons 99 and 106. This amino acid region is not well conserved in available vertebrate species. Since supporting evidence is limited at this time, the clinical significance of this alteration remains unclear.